The following is an entry in ClinVar:

NM_001363540.2(DOCK4):c.4492C>T (p.Gln1498Ter)

Gene: DOCK4 (dedicator of cytokinesis 4; minus strand). Cytogenetic location: 7q31.1.
Variant type: single nucleotide variant.
Coding change: c.4492C>T on transcript NM_001363540.2 (MANE Select); coding-DNA position 4492, C replaced by T.
Protein change: p.Gln1498Ter; replaces glutamine 1498 with a stop codon.
Molecular consequence: nonsense.
Genome position (GRCh38, 1-based): chr7:111,747,368, G>A on the plus strand (C>T on the coding strand, the complement: DOCK4 is on the minus strand). VCF-style: chr7-111747368-G-A. GRCh37 (hg19) VCF-style: chr7-111387424-G-A.
Other names: c.4465C>T, p.Gln1489Ter (NM_014705.4); short protein forms Q1489*, Q1498*.
Identifiers: ClinVar variation 3354885 (VCV003354885.1).
Genomic context (GRCh38, chr7:111,747,368, plus strand): 5'-TAACTCCATTCAGGCACATAGTCAGGGGATTAATATTCTGCATCTGTCTTGTCTGACACT[G>A]ACTAATCAGAGTCTTCAGCTGCTGATTCTTATTTTCTAGCACTTCAATTGCATTTTCCAG-3'

ClinVar aggregate classification (germline): Uncertain significance (0 of 4 stars; one submission).

Conditions:
DOCK4-related disorder. Also called: DOCK4-related condition.

Submission:

PreventionGenetics, part of Exact Sciences
Classification: Uncertain significance for DOCK4-related condition. Last evaluated: 2024-07-12. Review status: no assertion criteria provided. Collection method: clinical testing. Allele origin: germline.
Comment: The DOCK4 c.4492C>T variant is predicted to result in premature protein termination (p.Gln1498*). To our knowledge, this variant has not been reported in the literature or in a large population database, indicating this variant is rare. At this time, the clinical significance of this variant is uncertain due to the absence of conclusive functional and genetic evidence.